The following is an entry in ClinVar:

NM_020759.3(STARD9):c.3884C>T (p.Pro1295Leu)

Gene: STARD9 (StAR related lipid transfer domain containing 9; plus strand). Cytogenetic location: 15q15.2.
Variant type: single nucleotide variant.
Coding change: c.3884C>T on transcript NM_020759.3 (MANE Select); coding-DNA position 3884, C replaced by T.
Protein change: p.Pro1295Leu; replaces proline 1295 with leucine.
Molecular consequence: missense variant.
Genome position (GRCh38, 1-based): chr15:42,685,462, C>T. VCF-style: chr15-42685462-C-T. GRCh37 (hg19) VCF-style: chr15-42977660-C-T.
Other names: short protein forms P1295L.
Identifiers: ClinVar variation 723690 (VCV000723690.7), dbSNP rs191617067, ClinGen allele CA7514288.
Genomic context (GRCh38, chr15:42,685,462, plus strand): 5'-TTTACCTTGATCCTCAGTTCCAACCCCATTGTGAGCTCCAACCCCATTGTGAGCTCCAAC[C>T]CCATTGTGAGCTCCAGCCCCATTGTGAGCAGGCTGAATCACAGGTAGAGCCAAGCTACTC-3'
Protein context (NP_065810.2, residues 1285-1305): CELQPHCELQ[Pro1295Leu]HCELQPHCEQ

ClinVar aggregate classification (germline): Benign. Review status: criteria provided, multiple submitters, no conflicts (2 of 4 stars). 3 submissions from 3 submitters: Benign (2). 1 of the submissions does not count toward it. Last evaluated 2019-12-31.

Conditions:
STARD9-related disorder. Also called: STARD9-related condition.

Allele frequency attached by ClinVar (database versions not stated): gnomAD exomes 0.00038 and 0.00084; 1000 Genomes Project 0.00419; gnomAD 0.00451 and 0.00478; TOPMed 0.00501.

Submissions (3):

Labcorp Genetics (formerly Invitae), Labcorp
Classification: Benign. Last evaluated: 2019-12-31. Review status: criteria provided, single submitter. Criteria: Invitae Variant Classification Sherloc (09022015). Collection method: clinical testing. Allele origin: germline.

Breakthrough Genomics
Classification: Benign. Review status: criteria provided, single submitter. Criteria: ACMG Guidelines, 2015. Collection method: not provided. Allele origin: germline. Inheritance: Unknown mechanism. Affected: yes.

PreventionGenetics, part of Exact Sciences
Classification: Benign for STARD9-related condition. Last evaluated: 2019-03-25. Review status: no assertion criteria provided. Collection method: clinical testing. Allele origin: germline. Not counted in ClinVar's aggregate classification.
Comment: This variant is classified as benign based on ACMG/AMP sequence variant interpretation guidelines (Richards et al. 2015 PMID: 25741868, with internal and published modifications).